The following is an entry in ClinVar:

NM_006294.5(UQCRB):c.20-6T>G

Gene: UQCRB (ubiquinol-cytochrome c reductase binding protein; minus strand). Cytogenetic location: 8q22.1.
Variant type: single nucleotide variant.
Coding change: c.20-6T>G on transcript NM_006294.5 (MANE Select); 6 bases into the intron before coding-DNA position 20, T replaced by G.
Molecular consequence: intron variant.
Genome position (GRCh38, 1-based): chr8:96,233,233, A>C on the plus strand (T>G on the coding strand, the complement: UQCRB is on the minus strand). VCF-style: chr8-96233233-A-C. GRCh37 (hg19) VCF-style: chr8-97245461-A-C.
Other names: c.20-6T>G (NM_001254752.2); c.-77-6T>G (NM_001199975.3).
Identifiers: ClinVar variation 3051736 (VCV003051736.3), dbSNP rs199928888, ClinGen allele CA4815986.

ClinVar aggregate classification (germline): Likely benign. Review status: criteria provided, single submitter (1 of 4 stars). 2 submissions from 2 submitters: Likely benign (1). 1 of the submissions does not count toward it. Last evaluated 2024-09-11.

Conditions:
UQCRB-related disorder. Also called: UQCRB-related condition.

Allele frequency attached by ClinVar (database versions not stated): gnomAD 0.00006; gnomAD exomes 0.00022; ExAC 0.00058; 1000 Genomes Project 30x 0.00062; 1000 Genomes Project 0.00080.

Submissions (2):

Blueprint Genetics
Classification: Likely benign. Last evaluated: 2024-09-11. Review status: criteria provided, single submitter. Criteria: ACMG Guidelines, 2015. Collection method: clinical testing. Allele origin: germline.

PreventionGenetics, part of Exact Sciences
Classification: Likely benign for UQCRB-related condition. Last evaluated: 2019-04-08. Review status: no assertion criteria provided. Collection method: clinical testing. Allele origin: germline. Not counted in ClinVar's aggregate classification.
Comment: This variant is classified as likely benign based on ACMG/AMP sequence variant interpretation guidelines (Richards et al. 2015 PMID: 25741868, with internal and published modifications).